The following is an entry in ClinVar:

ClinVar aggregate classification (germline): Benign. Review status: criteria provided, multiple submitters, no conflicts (2 of 4 stars). 5 submissions from 5 submitters: Benign (5). Last evaluated 2026-02-03.

Conditions:
Hyperekplexia 3 (HKPX3). Also called: HYPEREKPLEXIA 3, AUTOSOMAL RECESSIVE; HYPEREKPLEXIA 3, AUTOSOMAL DOMINANT. Identifiers: Orphanet 3197, MedGen C3553288, MONDO:0013827, OMIM 614618.

Allele frequency attached by ClinVar (database versions not stated): 1000 Genomes Project 0.06190; 1000 Genomes Project 30x 0.06309; TOPMed 0.08422; gnomAD 0.08830 and 0.09080; ESP Exome Variant Server 0.10134.
gnomAD v4.1: 200,028 of 1,592,040 alleles (13%); highest among the groups gnomAD compares: South Asian, 16%; 13,950 homozygotes.

Submissions (5):

Labcorp Genetics (formerly Invitae), Labcorp
Classification: Benign for Hyperekplexia 3. Last evaluated: 2026-02-03. Review status: criteria provided, single submitter. Criteria: Invitae Variant Classification Sherloc (09022015). Collection method: clinical testing. Allele origin: germline.

Blueprint Genetics
Classification: Benign. Last evaluated: 2024-11-27. Review status: criteria provided, single submitter. Criteria: ACMG Guidelines, 2015. Collection method: clinical testing. Allele origin: germline.

GeneDx
Classification: Benign. Last evaluated: 2021-05-16. Review status: criteria provided, single submitter. Criteria: GeneDx Variant Classification Process June 2021. Collection method: clinical testing. Allele origin: germline. Affected: yes.

Illumina Laboratory Services, Illumina
Classification: Benign for Hyperekplexia 3. Last evaluated: 2018-01-13. Review status: criteria provided, single submitter. Criteria: ICSL Variant Classification Criteria 13 December 2019. Collection method: clinical testing. Allele origin: germline.
Comment: This variant was observed in the ICSL laboratory as part of a predisposition screen in an ostensibly healthy population. It had not been previously curated by ICSL or reported in the Human Gene Mutation Database (HGMD: prior to June 1st, 2018), and was therefore a candidate for classification through an automated scoring system. Utilizing variant allele frequency, disease prevalence and penetrance estimates, and inheritance mode, an automated score was calculated to assess if this variant is too frequent to cause the disease. Based on the score and internal cut-off values, a variant classified as benign is not then subjected to further curation. The score for this variant resulted in a classification of benign for this disease.

Breakthrough Genomics
Classification: Benign. Review status: criteria provided, single submitter. Criteria: ACMG Guidelines, 2015. Collection method: not provided. Allele origin: germline. Inheritance: Autosomal dominant inheritance. Affected: yes.

NM_004211.5(SLC6A5):c.1499+15T>C

Gene: SLC6A5 (solute carrier family 6 member 5; plus strand). Cytogenetic location: 11p15.1.
Variant type: single nucleotide variant.
Coding change: c.1499+15T>C on transcript NM_004211.5 (MANE Select); 15 bases into the intron after coding-DNA position 1499, T replaced by C.
Molecular consequence: intron variant.
Genome position (GRCh38, 1-based): chr11:20,628,098, T>C. VCF-style: chr11-20628098-T-C. GRCh37 (hg19) VCF-style: chr11-20649644-T-C.
Other names: c.797+15T>C (NM_001318369.2).
Identifiers: ClinVar variation 304026 (VCV000304026.17), dbSNP rs80286799, ClinGen allele CA5921471.
Genomic context (GRCh38, chr11:20,628,098, plus strand): 5'-TGATCACTCTCTCTTCTTACAACAAATTCCACAACAACTGCTACAGGTATGTAGAGGTAC[T>C]ACAAGATCTGGGCATAGCTGGTGAGTGGGACAGAAGAATGGACTGAGTTATCAGACACCT-3'